The following is an entry in ClinVar:

ClinVar aggregate classification (germline): Likely pathogenic (1 of 4 stars; one submission).

Submission:

Dasa
Classification: Likely pathogenic. Last evaluated: 2024-10-08. Review status: criteria provided, single submitter. Criteria: DASA Assertion Criteria. Collection method: clinical testing. Allele origin: germline.
Comment: NM_080425.4(GNAS):c.894_909del (p.Ser298Argfs*387) is a frameshift variant in GNAS predicted to alter the reading frame and introduce a premature termination codon and is predicted to result in an absent or altered protein product. Loss of function is an established disease mechanism for GNAS (PMID: 9876352; PMID: 11095461; PMID: 11600516). Also, this variant is absent from population databases. Based on the currently available evidence, this variant is classified as likely pathogenic.

Literature cited by the submitters: PubMed 9876352; PubMed 11095461; PubMed 11600516.

NM_080425.4(GNAS):c.894_909del (p.Ser298fs)

Gene: GNAS (GNAS complex locus; plus strand). Cytogenetic location: 20q13.32.
Variant type: Deletion.
Coding change: c.894_909del on transcript NM_080425.4 (MANE Plus Clinical); coding-DNA positions 894 to 909, 16 bases deleted (CAGCCCCTGGATGGAG).
Protein change: p.Ser298fs; shifts the reading frame from serine 298.
Molecular consequence: frameshift variant. On other transcripts: intron variant (3).
Genome position (GRCh38, 1-based): chr20:58,854,159-58,854,174, CAGCCCCTGGATGGAG deleted; deleting any 16 consecutive bases within chr20:58,854,157-58,854,174 gives the same sequence; the c. name uses the placement nearest the transcript's 3' end. VCF-style (leftmost placement, unchanged base first): chr20-58854156-CAGCAGCCCCTGGATGG-C. GRCh37 (hg19) VCF-style: chr20-57429211-CAGCAGCCCCTGGATGG-C.
Other names: c.43+13273_43+13288del (NM_001410912.1); c.-39+12284_-39+12299del (NM_001309861.2); c.707_722del, p.Ala236fs (NM_001077490.3, NM_001309883.1); c.894_909del, p.Ser298fs (NM_001410913.1); c.*42+13273_*42+13288del (NM_016592.5); short protein forms A236fs, S298fs.
Identifiers: ClinVar variation 4856857 (VCV004856857.2).
Genomic context (GRCh38, chr20:58,854,156, plus strand): 5'-CCCAGGCGCCATCGGCAGCCCATCCCAAGAGGCTGTCAGACCTCCTTCTAACTTCACGGG[CAGCAGCCCCTGGATGG>C]AGATCTCCGGACCCCCGTTCGAGATTGGCAGCGCCCCCGCTGGGGTCGACGACACTCCCG-3'